The following is an entry in ClinVar:

NM_006904.7(PRKDC):c.11959G>A (p.Ala3987Thr)

Gene: PRKDC (protein kinase, DNA-activated, catalytic subunit; minus strand). Cytogenetic location: 8q11.21.
Variant type: single nucleotide variant.
Coding change: c.11959G>A on transcript NM_006904.7 (MANE Select); coding-DNA position 11959, G replaced by A.
Protein change: p.Ala3987Thr; replaces alanine 3987 with threonine.
Molecular consequence: missense variant.
Genome position (GRCh38, 1-based): chr8:47,777,769, C>T on the plus strand (G>A on the coding strand, the complement: PRKDC is on the minus strand). VCF-style: chr8-47777769-C-T. GRCh37 (hg19) VCF-style: chr8-48690330-C-T.
Other names: c.11866G>A, p.Ala3956Thr (NM_001081640.2); short protein forms A3987T, A3956T.
Identifiers: ClinVar variation 2178998 (VCV002178998.1), dbSNP rs762914279, ClinGen allele CA4738944.

ClinVar aggregate classification (germline): Uncertain significance (1 of 4 stars; one submission).

Conditions:
Severe combined immunodeficiency due to DNA-PKcs deficiency. Also called: IMMUNODEFICIENCY 26 WITH NEUROLOGIC ABNORMALITIES; Immunodeficiency 26 with or without neurologic abnormalities. Identifiers: Orphanet 317425, MedGen C4014833, MONDO:0014423, OMIM 615966.

Allele frequency attached by ClinVar (database versions not stated): ExAC 0.00001; gnomAD exomes 0.00001; TOPMed 0.00001; gnomAD 0.00003.
gnomAD v4.1: 17 of 1,613,754 alleles (0.0011%); highest among the groups gnomAD compares: East Asian, 0.0022%; no homozygotes.

Submission:

Labcorp Genetics (formerly Invitae), Labcorp
Classification: Uncertain significance for Severe combined immunodeficiency due to DNA-PKcs deficiency. Last evaluated: 2022-07-24. Review status: criteria provided, single submitter. Criteria: Invitae Variant Classification Sherloc (09022015). Collection method: clinical testing. Allele origin: germline.
Comment: This sequence change replaces alanine, which is neutral and non-polar, with threonine, which is neutral and polar, at codon 3987 of the PRKDC protein (p.Ala3987Thr). This variant is present in population databases (rs762914279, gnomAD 0.005%). This variant has not been reported in the literature in individuals affected with PRKDC-related conditions. Experimental studies and prediction algorithms are not available or were not evaluated, and the functional significance of this variant is currently unknown. In summary, the available evidence is currently insufficient to determine the role of this variant in disease. Therefore, it has been classified as a Variant of Uncertain Significance.